The following is an entry in ClinVar:

ClinVar aggregate classification (germline): Uncertain significance (1 of 4 stars; one submission).

Conditions:
Familial temporal lobe epilepsy 8. Identifiers: Orphanet 101046, MedGen C4225318, MONDO:0014650, OMIM 616461.

Allele frequency attached by ClinVar (database versions not stated): TOPMed 0.00005; gnomAD 0.00010 and 0.00012; gnomAD exomes 0.00011; ExAC 0.00016; ESP Exome Variant Server 0.00023.
gnomAD v4.1: 193 of 1,612,822 alleles (0.012%); highest among the groups gnomAD compares: Middle Eastern, 0.12%; 1 homozygote.

Submission:

Labcorp Genetics (formerly Invitae), Labcorp
Classification: Uncertain significance for Familial temporal lobe epilepsy 8. Last evaluated: 2022-07-26. Review status: criteria provided, single submitter. Criteria: Invitae Variant Classification Sherloc (09022015). Collection method: clinical testing. Allele origin: germline.
Comment: This variant is present in population databases (rs149894151, gnomAD 0.03%). ClinVar contains an entry for this variant (Variation ID: 644385). This variant has not been reported in the literature in individuals affected with GAL-related conditions. This sequence change replaces aspartic acid, which is acidic and polar, with asparagine, which is neutral and polar, at codon 56 of the GAL protein (p.Asp56Asn). In summary, the available evidence is currently insufficient to determine the role of this variant in disease. Therefore, it has been classified as a Variant of Uncertain Significance. Algorithms developed to predict the effect of missense changes on protein structure and function are either unavailable or do not agree on the potential impact of this missense change (SIFT: "Not Available"; PolyPhen-2: "Probably Damaging"; Align-GVGD: "Not Available").

NM_015973.5(GAL):c.166G>A (p.Asp56Asn)

Gene: GAL (galanin and GMAP prepropeptide; plus strand). Cytogenetic location: 11q13.2.
Variant type: single nucleotide variant.
Coding change: c.166G>A on transcript NM_015973.5 (MANE Select); coding-DNA position 166, G replaced by A.
Protein change: p.Asp56Asn; replaces aspartic acid 56 with asparagine.
Molecular consequence: missense variant.
Genome position (GRCh38, 1-based): chr11:68,688,043, G>A. VCF-style: chr11-68688043-G-A. GRCh37 (hg19) VCF-style: chr11-68455511-G-A.
Other names: short protein forms D56N.
Identifiers: ClinVar variation 644385 (VCV000644385.9), dbSNP rs149894151, ClinGen allele CA6151467.